The following is an entry in ClinVar:

NM_001261826.3(AP3D1):c.733-3C>T

Gene: AP3D1 (adaptor related protein complex 3 subunit delta 1; minus strand). Cytogenetic location: 19p13.3.
Variant type: single nucleotide variant.
Coding change: c.733-3C>T on transcript NM_001261826.3 (MANE Select); 3 bases into the intron before coding-DNA position 733, C replaced by T.
Molecular consequence: intron variant.
Genome position (GRCh38, 1-based): chr19:2,129,166, G>A on the plus strand (C>T on the coding strand, the complement: AP3D1 is on the minus strand). VCF-style: chr19-2129166-G-A. GRCh37 (hg19) VCF-style: chr19-2129165-G-A.
Other names: c.733-3C>T (NM_003938.8, NM_001374799.1).
Identifiers: ClinVar variation 2042472 (VCV002042472.4), dbSNP rs2512200371, ClinGen allele CA2580096116.

ClinVar aggregate classification (germline): Uncertain significance (1 of 4 stars; one submission).

Allele frequency attached by ClinVar (database versions not stated): gnomAD exomes below 0.00001.
gnomAD v4.1: 1 of 1,605,780 alleles (0.000062%); highest among the groups gnomAD compares: South Asian, 0.0011%; no homozygotes.

Submission:

Labcorp Genetics (formerly Invitae), Labcorp
Classification: Uncertain significance. Last evaluated: 2021-12-14. Review status: criteria provided, single submitter. Criteria: Invitae Variant Classification Sherloc (09022015). Collection method: clinical testing. Allele origin: germline.
Comment: In summary, the available evidence is currently insufficient to determine the role of this variant in disease. Therefore, it has been classified as a Variant of Uncertain Significance. Variants that disrupt the consensus splice site are a relatively common cause of aberrant splicing (PMID: 17576681, 9536098). Algorithms developed to predict the effect of sequence changes on RNA splicing suggest that this variant is not likely to affect RNA splicing. This variant has not been reported in the literature in individuals affected with AP3D1-related conditions. This variant is not present in population databases (gnomAD no frequency). This sequence change falls in intron 7 of the AP3D1 gene. It does not directly change the encoded amino acid sequence of the AP3D1 protein. It affects a nucleotide within the consensus splice site.

Literature cited by the submitters: PubMed 17576681; PubMed 9536098.